The following is an entry in ClinVar:

NM_001457.4(FLNB):c.461C>T (p.Pro154Leu)

Gene: FLNB (filamin B; plus strand). Cytogenetic location: 3p14.3.
Variant type: single nucleotide variant.
Coding change: c.461C>T on transcript NM_001457.4 (MANE Select); coding-DNA position 461, C replaced by T.
Protein change: p.Pro154Leu; replaces proline 154 with leucine.
Molecular consequence: missense variant.
Genome position (GRCh38, 1-based): chr3:58,077,214, C>T. VCF-style: chr3-58077214-C-T. GRCh37 (hg19) VCF-style: chr3-58062941-C-T.
Other names: c.461C>T, p.Pro154Leu (NM_001164317.2, NM_001164318.2, NM_001164319.2); short protein forms P154L.
Identifiers: ClinVar variation 2791280 (VCV002791280.3), dbSNP rs747594015, ClinGen allele CA353333478.

ClinVar aggregate classification (germline): Uncertain significance (1 of 4 stars; one submission).

Submission:

Labcorp Genetics (formerly Invitae), Labcorp
Classification: Uncertain significance. Last evaluated: 2023-07-12. Review status: criteria provided, single submitter. Criteria: Invitae Variant Classification Sherloc (09022015). Collection method: clinical testing. Allele origin: germline.
Comment: Advanced modeling of protein sequence and biophysical properties (such as structural, functional, and spatial information, amino acid conservation, physicochemical variation, residue mobility, and thermodynamic stability) has been performed at Invitae for this missense variant, however the output from this modeling did not meet the statistical confidence thresholds required to predict the impact of this variant on FLNB protein function. This variant is not present in population databases (gnomAD no frequency). This variant has not been reported in the literature in individuals affected with FLNB-related conditions. In summary, the available evidence is currently insufficient to determine the role of this variant in disease. Therefore, it has been classified as a Variant of Uncertain Significance. This sequence change replaces proline, which is neutral and non-polar, with leucine, which is neutral and non-polar, at codon 154 of the FLNB protein (p.Pro154Leu).